The following is an entry in ClinVar:

NM_001205293.3(CACNA1E):c.2820G>T (p.Arg940Ser)

Gene: CACNA1E (calcium voltage-gated channel subunit alpha1 E; plus strand). Cytogenetic location: 1q25.3.
Variant type: single nucleotide variant.
Coding change: c.2820G>T on transcript NM_001205293.3 (MANE Select); coding-DNA position 2820, G replaced by T.
Protein change: p.Arg940Ser; replaces arginine 940 with serine.
Molecular consequence: missense variant.
Genome position (GRCh38, 1-based): chr1:181,732,906, G>T. VCF-style: chr1-181732906-G-T. GRCh37 (hg19) VCF-style: chr1-181702042-G-T.
Other names: c.2820G>T, p.Arg940Ser (NM_000721.4); c.2763G>T, p.Arg921Ser (NM_001205294.2); c.2820G>T (NM_000721.3); short protein forms R940S, R921S.
Identifiers: ClinVar variation 3688095 (VCV003688095.3).

ClinVar aggregate classification (germline): Uncertain significance. Review status: criteria provided, multiple submitters, no conflicts (2 of 4 stars). 2 submissions from 2 submitters: Uncertain significance (2). Last evaluated 2025-07-10.

gnomAD v4.1: 3 of 1,613,924 alleles (0.00019%); highest among the groups gnomAD compares: African/African-American, 0.004%; no homozygotes.

Submissions (2):

GeneDx
Classification: Uncertain significance. Last evaluated: 2025-07-10. Review status: criteria provided, single submitter. Criteria: GeneDx Variant Classification Process June 2021. Collection method: clinical testing. Allele origin: germline. Affected: yes.
Comment: In silico analysis suggests that this missense variant does not alter protein structure/function; Has not been previously published as pathogenic or benign to our knowledge

Labcorp Genetics (formerly Invitae), Labcorp
Classification: Uncertain significance. Last evaluated: 2024-10-02. Review status: criteria provided, single submitter. Criteria: Invitae Variant Classification Sherloc (09022015). Collection method: clinical testing. Allele origin: germline.
Comment: This sequence change replaces arginine, which is basic and polar, with serine, which is neutral and polar, at codon 940 of the CACNA1E protein (p.Arg940Ser). This variant is present in population databases (no rsID available, gnomAD 0.01%). This variant has not been reported in the literature in individuals affected with CACNA1E-related conditions. Invitae Evidence Modeling of protein sequence and biophysical properties (such as structural, functional, and spatial information, amino acid conservation, physicochemical variation, residue mobility, and thermodynamic stability) has been performed for this missense variant. However, the output from this modeling did not meet the statistical confidence thresholds required to predict the impact of this variant on CACNA1E protein function. In summary, the available evidence is currently insufficient to determine the role of this variant in disease. Therefore, it has been classified as a Variant of Uncertain Significance.